The following is an entry in ClinVar:

NM_139319.3(SLC17A8):c.243G>A (p.Met81Ile)

Gene: SLC17A8 (solute carrier family 17 member 8; plus strand). Cytogenetic location: 12q23.1.
Variant type: single nucleotide variant.
Coding change: c.243G>A on transcript NM_139319.3 (MANE Select); coding-DNA position 243, G replaced by A.
Protein change: p.Met81Ile; replaces methionine 81 with isoleucine.
Molecular consequence: missense variant.
Genome position (GRCh38, 1-based): chr12:100,380,842, G>A. VCF-style: chr12-100380842-G-A. GRCh37 (hg19) VCF-style: chr12-100774620-G-A.
Other names: c.243G>A, p.Met81Ile (NM_001145288.2); short protein forms M81I.
Identifiers: ClinVar variation 1686760 (VCV001686760.2), dbSNP rs762001520, ClinGen allele CA6738709.

ClinVar aggregate classification (germline): Uncertain significance (1 of 4 stars; one submission).

Allele frequency attached by ClinVar (database versions not stated): gnomAD exomes 0.00001; ExAC 0.00002.
gnomAD v4.1: 15 of 1,614,152 alleles (0.00093%); highest among the groups gnomAD compares: East Asian, 0.031%; no homozygotes.

Submission:

GeneDx
Classification: Uncertain significance. Last evaluated: 2021-11-22. Review status: criteria provided, single submitter. Criteria: GeneDx Variant Classification Process June 2021. Collection method: clinical testing. Allele origin: germline. Affected: yes.
Comment: Observed in a patient with hearing loss in published literature; no specific patient information was provided (Xie L et al., 2021); In silico analysis supports that this missense variant does not alter protein structure/function; This variant is associated with the following publications: (PMID: 34335733)